The following is an entry in ClinVar:

NM_001164665.2(KIAA1549):c.4818G>C (p.Gln1606His)

Gene: KIAA1549 (KIAA1549; minus strand). Cytogenetic location: 7q34.
Variant type: single nucleotide variant.
Coding change: c.4818G>C on transcript NM_001164665.2 (MANE Select); coding-DNA position 4818, G replaced by C.
Protein change: p.Gln1606His; replaces glutamine 1606 with histidine.
Molecular consequence: missense variant.
Genome position (GRCh38, 1-based): chr7:138,868,086, C>G on the plus strand (G>C on the coding strand, the complement: KIAA1549 is on the minus strand). VCF-style: chr7-138868086-C-G. GRCh37 (hg19) VCF-style: chr7-138552832-C-G.
Other names: c.4818G>C, p.Gln1606His (NM_020910.3); short protein forms Q1606H.
Identifiers: ClinVar variation 1053212 (VCV001053212.9), dbSNP rs2130379056, ClinGen allele CA369397834.

ClinVar aggregate classification (germline): Uncertain significance (1 of 4 stars; one submission).

Allele frequency attached by ClinVar (database versions not stated): gnomAD exomes 0.00001.
gnomAD v4.1: 17 of 1,613,854 alleles (0.0011%); highest among the groups gnomAD compares: Non-Finnish European, 0.0014%; no homozygotes.

Submission:

Labcorp Genetics (formerly Invitae), Labcorp
Classification: Uncertain significance. Last evaluated: 2022-11-29. Review status: criteria provided, single submitter. Criteria: Invitae Variant Classification Sherloc (09022015). Collection method: clinical testing. Allele origin: germline.
Comment: In summary, the available evidence is currently insufficient to determine the role of this variant in disease. Therefore, it has been classified as a Variant of Uncertain Significance. Algorithms developed to predict the effect of missense changes on protein structure and function are either unavailable or do not agree on the potential impact of this missense change (SIFT: "Deleterious"; PolyPhen-2: "Probably Damaging"; Align-GVGD: "Class C0"). ClinVar contains an entry for this variant (Variation ID: 1053212). This variant has not been reported in the literature in individuals affected with KIAA1549-related conditions. This variant is not present in population databases (gnomAD no frequency). This sequence change replaces glutamine, which is neutral and polar, with histidine, which is basic and polar, at codon 1606 of the KIAA1549 protein (p.Gln1606His).